The following is an entry in ClinVar:

NM_000501.4(ELN):c.673A>T (p.Lys225Ter)

Gene: ELN (elastin; plus strand). Cytogenetic location: 7q11.23.
Variant type: single nucleotide variant.
Coding change: c.673A>T on transcript NM_000501.4 (MANE Select); coding-DNA position 673, A replaced by T.
Protein change: p.Lys225Ter; replaces lysine 225 with a stop codon.
Molecular consequence: nonsense. On other transcripts: intron variant (2).
Genome position (GRCh38, 1-based): chr7:74,047,704, A>T. VCF-style: chr7-74047704-A-T. GRCh37 (hg19) VCF-style: chr7-73462034-A-T.
Other names: c.643A>T, p.Lys215Ter (NM_001081752.3, NM_001278917.2); c.688A>T, p.Lys230Ter (NM_001081753.3, NM_001081754.3); c.673A>T, p.Lys225Ter (NM_001081755.3, NM_001278912.2, NM_001278915.2 and 1 more transcripts); c.658A>T, p.Lys220Ter (NM_001278914.2); c.541A>T, p.Lys181Ter (NM_001278918.2); c.644-438A>T (NM_001278916.2); c.578-438A>T (NM_001278913.2); short protein forms K181*, K215*, K220*, K225*, K230*.
Identifiers: ClinVar variation 3343934 (VCV003343934.1).

ClinVar aggregate classification (germline): Pathogenic (1 of 4 stars; one submission).

Submission:

GeneDx
Classification: Pathogenic. Last evaluated: 2024-03-10. Review status: criteria provided, single submitter. Criteria: GeneDx Variant Classification Process June 2021. Collection method: clinical testing. Allele origin: germline. Affected: yes.
Comment: Nonsense variant predicted to result in protein truncation or nonsense mediated decay in a gene for which loss-of-function is a known mechanism of disease; Not observed at significant frequency in large population cohorts (gnomAD); Has not been previously published as pathogenic or benign to our knowledge